The following is an entry in ClinVar:

NM_025114.4(CEP290):c.530G>T (p.Cys177Phe)

Gene: CEP290 (centrosomal protein 290; minus strand). Cytogenetic location: 12q21.32.
Variant type: single nucleotide variant.
Coding change: c.530G>T on transcript NM_025114.4 (MANE Select); coding-DNA position 530, G replaced by T.
Protein change: p.Cys177Phe; replaces cysteine 177 with phenylalanine.
Molecular consequence: missense variant.
Genome position (GRCh38, 1-based): chr12:88,130,407, C>A on the plus strand (G>T on the coding strand, the complement: CEP290 is on the minus strand). VCF-style: chr12-88130407-C-A. GRCh37 (hg19) VCF-style: chr12-88524184-C-A.
Other names: short protein forms C177F.
Identifiers: ClinVar variation 2947598 (VCV002947598.3), dbSNP rs2501507223, ClinGen allele CA385986474.

ClinVar aggregate classification (germline): Uncertain significance (1 of 4 stars; one submission).

Conditions:
Joubert syndrome. Also called: CEREBELLOPARENCHYMAL DISORDER IV; JOUBERT-BOLTSHAUSER SYNDROME; Familial aplasia of the vermis. Identifiers: Orphanet 475, MedGen C5979921, MONDO:0018772.
Nephronophthisis. Also called: Juvenile Nephronophthisis. Identifiers: Orphanet 655, MedGen C0687120, MONDO:0019005, HP:0000090.
Meckel-Gruber syndrome. Also called: DYSENCEPHALIA SPLANCHNOCYSTICA; GRUBER SYNDROME; Dysencephalia splachnocystica. Identifiers: Orphanet 564, MedGen C0265215, MONDO:0018921.

Submission:

Labcorp Genetics (formerly Invitae), Labcorp
Classification: Uncertain significance for Joubert syndrome; Meckel-Gruber syndrome; Nephronophthisis. Last evaluated: 2023-05-19. Review status: criteria provided, single submitter. Criteria: Invitae Variant Classification Sherloc (09022015). Collection method: clinical testing. Allele origin: germline.
Comment: In summary, the available evidence is currently insufficient to determine the role of this variant in disease. Therefore, it has been classified as a Variant of Uncertain Significance. Algorithms developed to predict the effect of sequence changes on RNA splicing suggest that this variant may create or strengthen a splice site. This sequence change replaces cysteine, which is neutral and slightly polar, with phenylalanine, which is neutral and non-polar, at codon 177 of the CEP290 protein (p.Cys177Phe). This variant is not present in population databases (gnomAD no frequency). This variant has not been reported in the literature in individuals affected with CEP290-related conditions. Advanced modeling of protein sequence and biophysical properties (such as structural, functional, and spatial information, amino acid conservation, physicochemical variation, residue mobility, and thermodynamic stability) performed at Invitae indicates that this missense variant is not expected to disrupt CEP290 protein function.